The following is an entry in ClinVar:

NM_212550.5(BLOC1S3):c.100_101inv (p.Ser34Glu)

Gene: BLOC1S3 (biogenesis of lysosomal organelles complex 1 subunit 3; plus strand). Cytogenetic location: 19q13.32.
Variant type: Inversion.
Coding change: c.100_101inv on transcript NM_212550.5 (MANE Select).
Protein change: p.Ser34Glu; replaces serine 34 with glutamic acid.
Molecular consequence: missense variant.
Genome position: GRCh38 VCF-style: chr19-45179396-TC-GA. GRCh37 (hg19) VCF-style: chr19-45682654-TC-GA.
Other names: c.100_101delinsGA (NM_212550.5); short protein forms S34E.
Identifiers: ClinVar variation 2063806 (VCV002063806.3), ClinGen allele CA2580097389.

ClinVar aggregate classification (germline): Uncertain significance. Review status: criteria provided, multiple submitters, no conflicts (2 of 4 stars). 2 submissions from 2 submitters: Uncertain significance (2). Last evaluated 2024-12-03.

Submissions (2):

Labcorp Genetics (formerly Invitae), Labcorp
Classification: Uncertain significance. Last evaluated: 2024-12-03. Review status: criteria provided, single submitter. Criteria: Invitae Variant Classification Sherloc (09022015). Collection method: clinical testing. Allele origin: germline.
Comment: This sequence change replaces serine, which is neutral and polar, with glutamic acid, which is acidic and polar, at codon 34 of the BLOC1S3 protein (p.Ser34Glu). Information on the frequency of this variant in the gnomAD database is not available, as this variant may be reported differently in the database. This variant has not been reported in the literature in individuals affected with BLOC1S3-related conditions. Experimental studies and prediction algorithms are not available or were not evaluated, and the functional significance of this variant is currently unknown. In summary, the available evidence is currently insufficient to determine the role of this variant in disease. Therefore, it has been classified as a Variant of Uncertain Significance.

Women's Health and Genetics/Laboratory Corporation of America, LabCorp
Classification: Uncertain significance. Last evaluated: 2024-08-29. Review status: criteria provided, single submitter. Criteria: LabCorp Variant Classification Summary - May 2015. Collection method: clinical testing. Allele origin: germline.
Comment: Variant summary: BLOC1S3 c.100_101delinsGA (p.Ser34Glu) results in a non-conservative amino acid change in the encoded protein sequence. Three of five in-silico tools predict a damaging effect of the variant on protein function. The variant allele was found at a frequency of 0.00013 in 231086 control chromosomes (gnomAD v2.1.1; frequency derived from the Variant Co-Occurrence tool and constituent SNV c.100T>G/p.Ser34A). This frequency is not significantly higher than estimated for a pathogenic variant in BLOC1S3 causing Hermansky-Pudlak Syndrome (0.00013 vs 0.00016), allowing no conclusion about variant significance. To our knowledge, no occurrence of c.100_101delinsGA in individuals affected with Hermansky-Pudlak Syndrome and no experimental evidence demonstrating its impact on protein function have been reported. ClinVar contains an entry for this variant (Variation ID: 2063806). Based on the evidence outlined above, the variant was classified as uncertain significance.